The following is an entry in ClinVar:

ClinVar aggregate classification (germline): Likely pathogenic (1 of 4 stars; one submission).

Submission:

Labcorp Genetics (formerly Invitae), Labcorp
Classification: Likely pathogenic. Last evaluated: 2025-09-07. Review status: criteria provided, single submitter. Criteria: Invitae Variant Classification Sherloc (09022015). Collection method: clinical testing. Allele origin: germline.
Comment: This sequence change replaces isoleucine, which is neutral and non-polar, with valine, which is neutral and non-polar, at codon 256 of the DEAF1 protein (p.Ile256Val). This variant is not present in population databases (gnomAD no frequency). This variant has not been reported in the literature in individuals affected with DEAF1-related conditions. Invitae Evidence Modeling of protein sequence and biophysical properties (such as structural, functional, and spatial information, amino acid conservation, physicochemical variation, residue mobility, and thermodynamic stability) indicates that this missense variant is expected to disrupt DEAF1 protein function with a positive predictive value of 95%. This variant disrupts the p.Ile256 amino acid residue in DEAF1. Other variant(s) that disrupt this residue have been determined to be pathogenic (PMID: 35981081). This suggests that this residue is clinically significant, and that variants that disrupt this residue are likely to be disease-causing. In summary, the currently available evidence indicates that the variant is pathogenic, but additional data are needed to prove that conclusively. Therefore, this variant has been classified as Likely Pathogenic.

Literature cited by the submitters: PubMed 35981081.

NM_021008.4(DEAF1):c.766A>G (p.Ile256Val)

Gene: DEAF1 (DEAF1 transcription factor; minus strand). Cytogenetic location: 11p15.5.
Variant type: single nucleotide variant.
Coding change: c.766A>G on transcript NM_021008.4 (MANE Select); coding-DNA position 766, A replaced by G.
Protein change: p.Ile256Val; replaces isoleucine 256 with valine.
Molecular consequence: missense variant. On other transcripts: intron variant (1).
Genome position (GRCh38, 1-based): chr11:686,896, T>C on the plus strand (A>G on the coding strand, the complement: DEAF1 is on the minus strand). VCF-style: chr11-686896-T-C. GRCh37 (hg19) VCF-style: chr11-686896-T-C.
Other names: c.40A>G, p.Ile14Val (NM_001367390.1, NM_001440885.1, NM_001440886.1 and 1 more transcripts); c.766A>G, p.Ile256Val (NM_001440883.1, NM_001440884.1); c.664+1015A>G (NM_001293634.2); short protein forms I14V, I256V.
Identifiers: ClinVar variation 4746224 (VCV004746224.1).